The following is an entry in ClinVar:

NM_000326.5(RLBP1):c.*356G>A

Gene: RLBP1 (retinaldehyde binding protein 1; minus strand). Cytogenetic location: 15q26.1.
Variant type: single nucleotide variant.
Coding change: c.*356G>A on transcript NM_000326.5 (MANE Select); 356 bases downstream of the stop codon, G replaced by A.
Molecular consequence: 3 prime UTR variant.
Genome position (GRCh38, 1-based): chr15:89,209,929, C>T on the plus strand (G>A on the coding strand, the complement: RLBP1 is on the minus strand). VCF-style: chr15-89209929-C-T. GRCh37 (hg19) VCF-style: chr15-89753160-C-T.
Identifiers: ClinVar variation 317225 (VCV000317225.5), dbSNP rs190236976, ClinGen allele CA10636608.

ClinVar aggregate classification (germline): Conflicting classifications of pathogenicity. Review status: criteria provided, conflicting classifications (1 of 4 stars). 3 submissions from 1 submitter: Uncertain significance (1); Likely benign (2). Last evaluated 2018-01-12.

Conditions:
Newfoundland cone-rod dystrophy. Identifiers: MedGen C1843815, MONDO:0011839, OMIM 607476.
Retinitis pigmentosa (RP). Identifiers: Orphanet 791, MedGen C0035334, MeSH D012174, MONDO:0019200, OMIM 268000. Inheritance: Autosomal dominant, autosomal recessive and X linked inheritance.
Pigmentary retinal dystrophy. Also called: Fundus albipunctatus. Identifiers: Orphanet 227796, Orphanet 52427, MedGen C0311338, MONDO:0007639, OMIM 136880, HP:0030642.

Allele frequency attached by ClinVar (database versions not stated): gnomAD exomes 0.00046; 1000 Genomes Project 0.00300; TOPMed 0.00326; 1000 Genomes Project 30x 0.00328; gnomAD 0.00366.
gnomAD v4.1: 559 of 324,940 alleles (0.17%); highest among the groups gnomAD compares: African/African-American, 1.1%; 4 homozygotes.

Submissions (3):

Illumina Laboratory Services, Illumina
Classification: Likely benign for Newfoundland cone-rod dystrophy. Last evaluated: 2018-01-12. Review status: criteria provided, single submitter. Criteria: ICSL Variant Classification Criteria 13 December 2019. Collection method: clinical testing. Allele origin: germline.
Comment: This variant was observed in the ICSL laboratory as part of a predisposition screen in an ostensibly healthy population. It had not been previously curated by ICSL or reported in the Human Gene Mutation Database (HGMD: prior to June 1st, 2018), and was therefore a candidate for classification through an automated scoring system. Utilizing variant allele frequency, disease prevalence and penetrance estimates, and inheritance mode, an automated score was calculated to assess if this variant is too frequent to cause the disease. Based on the score and internal cut-off values, a variant classified as likely benign is not then subjected to further curation. The score for this variant resulted in a classification of likely benign for this disease.

Illumina Laboratory Services, Illumina
Classification: Likely benign for Pigmentary retinal dystrophy. Last evaluated: 2018-01-12. Review status: criteria provided, single submitter. Criteria: ICSL Variant Classification Criteria 13 December 2019. Collection method: clinical testing. Allele origin: germline.
Comment: the same text as in the submission from Illumina Laboratory Services, Illumina above.

Illumina Laboratory Services, Illumina
Classification: Uncertain significance for Retinitis pigmentosa. Last evaluated: 2018-01-12. Review status: criteria provided, single submitter. Criteria: ICSL Variant Classification Criteria 13 December 2019. Collection method: clinical testing. Allele origin: germline.